The following is an entry in ClinVar:

NM_016148.5(SHANK1):c.1776G>A (p.Trp592Ter)

Gene: SHANK1 (SH3 and multiple ankyrin repeat domains 1; minus strand). Cytogenetic location: 19q13.33.
Variant type: single nucleotide variant.
Coding change: c.1776G>A on transcript NM_016148.5 (MANE Select); coding-DNA position 1776, G replaced by A.
Protein change: p.Trp592Ter; replaces tryptophan 592 with a stop codon.
Molecular consequence: nonsense.
Genome position (GRCh38, 1-based): chr19:50,697,928, C>T on the plus strand (G>A on the coding strand, the complement: SHANK1 is on the minus strand). VCF-style: chr19-50697928-C-T. GRCh37 (hg19) VCF-style: chr19-51201185-C-T.
Other names: short protein forms W592*.
Identifiers: ClinVar variation 2198098 (VCV002198098.4), dbSNP rs2513940954, ClinGen allele CA407031432.

ClinVar aggregate classification (germline): Pathogenic (1 of 4 stars; one submission).

Submission:

Labcorp Genetics (formerly Invitae), Labcorp
Classification: Pathogenic. Last evaluated: 2022-11-14. Review status: criteria provided, single submitter. Criteria: Invitae Variant Classification Sherloc (09022015). Collection method: clinical testing. Allele origin: germline.
Comment: For these reasons, this variant has been classified as Pathogenic. This variant has not been reported in the literature in individuals affected with SHANK1-related conditions. This variant is not present in population databases (gnomAD no frequency). This sequence change creates a premature translational stop signal (p.Trp592*) in the SHANK1 gene. It is expected to result in an absent or disrupted protein product. Loss-of-function variants in SHANK1 are known to be pathogenic (PMID: 34113010).

Literature cited by the submitters: PubMed 34113010.